The following is an entry in ClinVar:

ClinVar aggregate classification (germline): Uncertain significance (1 of 4 stars; one submission).

Submission:

Labcorp Genetics (formerly Invitae), Labcorp
Classification: Uncertain significance. Last evaluated: 2025-08-18. Review status: criteria provided, single submitter. Criteria: Invitae Variant Classification Sherloc (09022015). Collection method: clinical testing. Allele origin: germline.
Comment: This sequence change replaces leucine, which is neutral and non-polar, with tryptophan, which is neutral and slightly polar, at codon 410 of the LIFR protein (p.Leu410Trp). This variant is not present in population databases (gnomAD no frequency). This variant has not been reported in the literature in individuals affected with LIFR-related conditions. ClinVar contains an entry for this variant (Variation ID: 2089899). An algorithm developed to predict the effect of missense changes on protein structure and function (PolyPhen-2) suggests that this variant is likely to be disruptive. In summary, the available evidence is currently insufficient to determine the role of this variant in disease. Therefore, it has been classified as a Variant of Uncertain Significance.

NM_001127671.2(LIFR):c.1229T>G (p.Leu410Trp)

Gene: LIFR (LIF receptor subunit alpha; minus strand). Cytogenetic location: 5p13.1.
Variant type: single nucleotide variant.
Coding change: c.1229T>G on transcript NM_001127671.2 (MANE Select); coding-DNA position 1229, T replaced by G.
Protein change: p.Leu410Trp; replaces leucine 410 with tryptophan.
Molecular consequence: missense variant.
Genome position (GRCh38, 1-based): chr5:38,505,967, A>C on the plus strand (T>G on the coding strand, the complement: LIFR is on the minus strand). VCF-style: chr5-38505967-A-C. GRCh37 (hg19) VCF-style: chr5-38506069-A-C.
Other names: c.1229T>G, p.Leu410Trp (NM_001364297.2, NM_001364298.2, NM_002310.6); short protein forms L410W.
Identifiers: ClinVar variation 2089899 (VCV002089899.4), dbSNP rs2531044249, ClinGen allele CA359543783.